The following is an entry in ClinVar:

NM_000215.4(JAK3):c.2625C>T (p.Leu875=)

Gene: JAK3 (Janus kinase 3; minus strand). Cytogenetic location: 19p13.11.
Variant type: single nucleotide variant.
Coding change: c.2625C>T on transcript NM_000215.4 (MANE Select); coding-DNA position 2625, C replaced by T.
Protein change: p.Leu875=; no amino-acid change (leucine 875 retained).
Molecular consequence: synonymous variant.
Genome position (GRCh38, 1-based): chr19:17,832,574, G>A on the plus strand (C>T on the coding strand, the complement: JAK3 is on the minus strand). VCF-style: chr19-17832574-G-A. GRCh37 (hg19) VCF-style: chr19-17943383-G-A.
Other names: p.L875L:CTC>CTT; NM_000215.4(JAK3):c.2625C>T; p.Leu875=.
Identifiers: ClinVar variation 36419 (VCV000036419.14), dbSNP rs2230589, ClinGen allele CA214091.

ClinVar aggregate classification (germline): Benign. Review status: reviewed by expert panel (3 of 4 stars). 6 submissions from 6 submitters: Benign (1). 5 of the submissions do not count toward it. Last evaluated 2023-11-14.

Conditions:
Severe combined immunodeficiency disease. Also called: Severe Combined Immune Deficiency; Severe combined immunodeficiency. Identifiers: Orphanet 183660, MedGen C0085110, MeSH D016511, MONDO:0015974, HP:0004430. Inheritance: X-Linked or Autosomal recessive.
T-B+ severe combined immunodeficiency due to JAK3 deficiency. Also called: SCID, autosomal recessive, T-negative/B-positive type; SCID, T CELL-NEGATIVE, B CELL-POSITIVE, NK CELL-NEGATIVE. Identifiers: Orphanet 35078, MedGen C1833275, MONDO:0010938, OMIM 600802.

Allele frequency attached by ClinVar (database versions not stated): 1000 Genomes Project 30x 0.00718; 1000 Genomes Project 0.00719; TOPMed 0.00884; gnomAD 0.00942 and 0.00973; ESP Exome Variant Server 0.01069; gnomAD exomes 0.01074; ExAC 0.01106.
gnomAD v4.1: 22,870 of 1,614,212 alleles (1.4%); highest among the groups gnomAD compares: Non-Finnish European, 1.6%; 204 homozygotes.

Submissions (6):

ClinGen Severe Combined Immunodeficiency Variant Curation Expert Panel, ClinGen
Classification: Benign for T-B+ severe combined immunodeficiency due to JAK3 deficiency. Last evaluated: 2023-11-14. Review status: reviewed by expert panel. Criteria: ClinGen SCID ACMG Specifications JAK3 V1.0.0. Collection method: curation. Allele origin: germline. Inheritance: Autosomal recessive inheritance.
Comment: The NM_000215.4(JAK3):c.2625C>T (p.Leu875=) synonymous variant occurs at a high allele frequency with a filtering allele frequency based on the European non-Finnish population (upper bound of 95% CI of 1934/129188 observed alleles) is 0.01456 in gnomAD v2.1.1 which is above the SCID-VCEP threshold (>0.00447; BA1). 17 adult homozygous individuals were reported in gnomAD, BS2_Supporting (European non-Finnish n=10, South Asian n=3, European Finnish n=2, and Other n=2). The variant has been reported in one patient in the literature (Patient 17 in PMID: 19203666). Patient 17 has T-B+NK- (0 CD3 T cells, 0.14x10^9 B cells/L, 0.01x10^9 NK cells/L) SCID (0.5pt) and absent IL-2–induced STAT5 phosphorylation (1pt). This combination is specific for T-B+ severe combined immunodeficiency due to JAK3 deficiency (Total 1.5pt; PP4 not considered due to high allele frequency). An affected sibling of Patient 17 also carried these same variants, whereas an unaffected sibling did not (PP1 not considered due to high allele frequency). In summary, this variant meets the criteria to be classified as Benign for autosomal recessive T-B+ SCID based on the ACMG/AMP criteria applied, as specified by the ClinGen SCID VCEP. Criteria applied: BA1, BS2_Supporting, and BP7. (VCEP specifications version 1).

Labcorp Genetics (formerly Invitae), Labcorp
Classification: Benign for T-B+ severe combined immunodeficiency due to JAK3 deficiency. Last evaluated: 2026-02-04. Review status: criteria provided, single submitter. Criteria: Invitae Variant Classification Sherloc (09022015). Collection method: clinical testing. Allele origin: germline. Not counted in ClinVar's aggregate classification.

Illumina Laboratory Services, Illumina
Classification: Benign for T-B+ severe combined immunodeficiency due to JAK3 deficiency. Last evaluated: 2017-04-27. Review status: criteria provided, single submitter. Criteria: ICSL Variant Classification Criteria 13 December 2019. Collection method: clinical testing. Allele origin: germline. Not counted in ClinVar's aggregate classification.
Comment: This variant was observed as part of a predisposition screen in an ostensibly healthy population. A literature search was performed for the gene, cDNA change, and amino acid change (where applicable). Publications were found based on this search. The evidence from the literature, in combination with allele frequency data from public databases where available, was sufficient to rule this variant out of causing disease. Therefore, this variant is classified as benign.

GeneDx
Classification: Benign. Last evaluated: 2013-01-31. Review status: criteria provided, single submitter. Criteria: GeneDx Variant Classification (06012015). Collection method: clinical testing. Allele origin: germline. Affected: yes. Not counted in ClinVar's aggregate classification.
Comment: This variant is considered likely benign or benign based on one or more of the following criteria: it is a conservative change, it occurs at a poorly conserved position in the protein, it is predicted to be benign by multiple in silico algorithms, and/or has population frequency not consistent with disease.

Breakthrough Genomics
Classification: Benign. Review status: criteria provided, single submitter. Criteria: ACMG Guidelines, 2015. Collection method: not provided. Allele origin: germline. Inheritance: Autosomal recessive inheritance. Affected: yes. Not counted in ClinVar's aggregate classification.

Women's Health and Genetics/Laboratory Corporation of America, LabCorp
Classification: Benign for Severe combined immunodeficiency disease. Last evaluated: 2011-10-29. Review status: no assertion criteria provided. Collection method: clinical testing. Allele origin: germline. Not counted in ClinVar's aggregate classification.

Literature cited by the submitters: PubMed 19203666 (cited by Illumina Laboratory Services, Illumina).